The following is an entry in ClinVar:

ClinVar aggregate classification (germline): Pathogenic (1 of 4 stars; one submission).

Submission:

Labcorp Genetics (formerly Invitae), Labcorp
Classification: Pathogenic. Last evaluated: 2025-09-26. Review status: criteria provided, single submitter. Criteria: Invitae Variant Classification Sherloc (09022015). Collection method: clinical testing. Allele origin: germline.
Comment: This sequence change creates a premature translational stop signal (p.Leu1274Valfs*14) in the TONSL gene. It is expected to result in an absent or disrupted protein product. Loss-of-function variants in TONSL are known to be pathogenic (PMID: 30773277). The frequency data for this variant in the population databases is considered unreliable, as metrics indicate poor data quality at this position in the gnomAD database. This variant has not been reported in the literature in individuals affected with TONSL-related conditions. For these reasons, this variant has been classified as Pathogenic.

Literature cited by the submitters: PubMed 30773277.

NM_013432.5(TONSL):c.3820_3821del (p.Leu1274fs)

Gene: TONSL (tonsoku like, DNA repair protein; minus strand). Cytogenetic location: 8q24.3.
Variant type: Microsatellite.
Coding change: c.3820_3821del on transcript NM_013432.5 (MANE Select); coding-DNA positions 3820 to 3821, 2 bases deleted (CT; older notation c.3820_3821delCT).
Protein change: p.Leu1274fs; shifts the reading frame from leucine 1274.
Molecular consequence: frameshift variant.
Genome position (GRCh38, 1-based): chr8:144,430,526-144,430,527, AG deleted on the plus strand (CT on the coding strand, the reverse complement: TONSL is on the minus strand); deleting any 2 consecutive bases within chr8:144,430,526-144,430,534 gives the same sequence; the c. name uses the placement nearest the transcript's 3' end. VCF-style (leftmost placement, unchanged base first): chr8-144430525-CAG-C. GRCh37 (hg19) VCF-style: chr8-145655908-CAG-C.
Other names: short protein forms L1274fs.
Identifiers: ClinVar variation 2094188 (VCV002094188.4), dbSNP rs782813533, ClinGen allele CA4942356.